The following is an entry in ClinVar:

ClinVar aggregate classification (germline): Uncertain significance (1 of 4 stars; one submission).

Submission:

CeGaT Center for Human Genetics Tuebingen
Classification: Uncertain significance. Last evaluated: 2026-05-01. Review status: criteria provided, single submitter. Criteria: CeGaT Center For Human Genetics Tuebingen Variant Classification Criteria Version 2. Collection method: clinical testing. Allele origin: germline. Affected: yes. Observed: 1 variant allele.
Comment: SYNE2: PM2

NM_182914.3(SYNE2):c.17639T>C (p.Leu5880Pro)

Gene: SYNE2 (spectrin repeat containing nuclear envelope protein 2; plus strand). Cytogenetic location: 14q23.2.
Variant type: single nucleotide variant.
Coding change: c.17639T>C on transcript NM_182914.3 (MANE Select); coding-DNA position 17639, T replaced by C.
Protein change: p.Leu5880Pro; replaces leucine 5880 with proline.
Molecular consequence: missense variant.
Genome position (GRCh38, 1-based): chr14:64,186,506, T>C. VCF-style: chr14-64186506-T-C. GRCh37 (hg19) VCF-style: chr14-64653224-T-C.
Other names: c.17639T>C, p.Leu5880Pro (NM_015180.6); short protein forms L5880P.
Identifiers: ClinVar variation 4874880 (VCV004874880.2).